The following is an entry in ClinVar:

NM_001330078.2(NRXN1):c.2017T>C (p.Ser673Pro)

Gene: NRXN1 (neurexin 1; minus strand). Cytogenetic location: 2p16.3.
Variant type: single nucleotide variant.
Coding change: c.2017T>C on transcript NM_001330078.2 (MANE Select); coding-DNA position 2017, T replaced by C.
Protein change: p.Ser673Pro; replaces serine 673 with proline.
Molecular consequence: missense variant.
Genome position (GRCh38, 1-based): chr2:50,538,379, A>G on the plus strand (T>C on the coding strand, the complement: NRXN1 is on the minus strand). VCF-style: chr2-50538379-A-G. GRCh37 (hg19) VCF-style: chr2-50765517-A-G.
Other names: c.2137T>C, p.Ser713Pro (NM_001135659.3); c.1993T>C, p.Ser665Pro (NM_001330077.2, NM_001330082.2, NM_001330095.2); c.1978T>C, p.Ser660Pro (NM_001330083.2, NM_001330084.2); c.2017T>C, p.Ser673Pro (NM_001330085.2, NM_001330086.2, NM_004801.6); c.1933T>C, p.Ser645Pro (NM_001330087.2, NM_001330096.2); c.1963T>C, p.Ser655Pro (NM_001330088.2); c.2014T>C, p.Ser672Pro (NM_001330093.2); c.2005T>C, p.Ser669Pro (NM_001330094.2); short protein forms S660P, S713P, S655P, S669P, S645P, S665P, S672P, S673P.
Identifiers: ClinVar variation 3639612 (VCV003639612.2).
Genomic context (GRCh38, chr2:50,538,379, plus strand): 5'-CCCTGCACATGCCATTGTTTTTGCAAGGGTTGCTAAGGCACGGTTTTGCTGTTTCCTTTG[A>G]GCAGGAAGGCTTCACTCCAGCAGTACTTTGAACTTCAGCCATTTGCCGGATATCTTTGCT-3'
Protein context (NP_001317007.1, residues 663-683): QSTAGVKPSC[Ser673Pro]KETAKPCLSN

ClinVar aggregate classification (germline): Uncertain significance (1 of 4 stars; one submission).

Conditions:
Pitt-Hopkins-like syndrome 2 (PTHSL2). Identifiers: Orphanet 221150, Orphanet 600663, MedGen C3280479, MONDO:0013690, OMIM 614325.

Submission:

Labcorp Genetics (formerly Invitae), Labcorp
Classification: Uncertain significance for Pitt-Hopkins-like syndrome 2. Last evaluated: 2024-07-29. Review status: criteria provided, single submitter. Criteria: Invitae Variant Classification Sherloc (09022015). Collection method: clinical testing. Allele origin: germline.
Comment: This sequence change replaces serine, which is neutral and polar, with proline, which is neutral and non-polar, at codon 713 of the NRXN1 protein (p.Ser713Pro). This variant is not present in population databases (gnomAD no frequency). This variant has not been reported in the literature in individuals affected with NRXN1-related conditions. An algorithm developed to predict the effect of missense changes on protein structure and function (PolyPhen-2) suggests that this variant is likely to be disruptive. In summary, the available evidence is currently insufficient to determine the role of this variant in disease. Therefore, it has been classified as a Variant of Uncertain Significance.